The following is an entry in ClinVar:

NM_000038.6(APC):c.8237del (p.Val2746fs)

Gene: APC (APC regulator of Wnt signaling pathway; plus strand). Cytogenetic location: 5q22.2.
Variant type: Deletion.
Coding change: c.8237del on transcript NM_000038.6 (MANE Select); coding-DNA position 8237, one base deleted (T; older notation c.8237delT).
Protein change: p.Val2746fs; shifts the reading frame from valine 2746.
Molecular consequence: frameshift variant. On other transcripts: non-coding transcript variant (2).
Genome position (GRCh38, 1-based): chr5:112,843,831, T deleted. VCF-style (leftmost placement, unchanged base first): chr5-112843830-GT-G. GRCh37 (hg19) VCF-style: chr5-112179527-GT-G.
Other names: c.7934del, p.Val2645fs (NM_001407458.1, NM_001407459.1, NM_001407460.1 and 1 more transcripts); c.7850del, p.Val2617fs (NM_001407467.1, NM_001407469.1); c.7388del, p.Val2463fs (NM_001407470.1, NM_001354906.2); c.7085del, p.Val2362fs (NM_001407471.1, NM_001407472.1); c.8291del, p.Val2764fs (NM_001407449.1, NM_001354896.2, NM_001407447.1 and 1 more transcripts); c.8237del, p.Val2746fs (NM_001407450.1, NM_001127510.3, NM_001354895.2); c.8216del, p.Val2739fs (NM_001407451.1); c.8207del, p.Val2736fs (NM_001407452.1); and 11 more; short protein forms V2463fs, V2663fs, V2728fs, V2746fs, V2764fs, V2362fs, V2620fs, V2645fs.
Identifiers: ClinVar variation 5024546 (VCV005024546.1).
Genomic context (GRCh38, chr5:112,843,830, plus strand): 5'-ATTCAGGTGGATGCCCCTGACCAAAAAGGAACTGAGATAAAACCAGGACAAAATAATCCT[GT>G]CCCTGTATCAGAGACTAATGAAAGTTCTATAGTGGAACGTACCCCATTCAGTTCTAGCAG-3'

ClinVar aggregate classification (germline): Likely pathogenic (1 of 4 stars; one submission).

Conditions:
Hereditary cancer-predisposing syndrome. Also called: Neoplastic Syndromes, Hereditary; Tumor predisposition; Hereditary neoplastic syndrome; Hereditary Cancer Syndrome. Identifiers: Orphanet 140162, MedGen C0027672, MeSH D009386, MONDO:0015356.

Submission:

Ambry Genetics
Classification: Likely pathogenic for Hereditary cancer-predisposing syndrome. Last evaluated: 2026-06-16. Review status: criteria provided, single submitter. Criteria: Ambry Variant Classification Scheme 2023. Collection method: clinical testing. Allele origin: germline.
Comment: The c.8237delT variant, located in coding exon 15 of the APC gene, results from a deletion of one nucleotide at nucleotide position 8237, causing a translational frameshift with a predicted alternate stop codon (p.V2746Afs*11). This variant occurs at the 3' terminus of the gene, is not expected to trigger nonsense-mediated mRNA decay, and impacts the last 3% of the protein. However, premature stop codons are typically deleterious in nature and the impacted region is critical for protein function (Ambry internal data). This variant is considered to be rare based on population cohorts in the Genome Aggregation Database (gnomAD). Based on the majority of available evidence to date, this variant is likely to be pathogenic.